The following is an entry in ClinVar:

NM_000130.5(F5):c.3106_3108del (p.Lys1036del)

Gene: F5 (coagulation factor V; minus strand). Cytogenetic location: 1q24.2.
Variant type: Deletion.
Coding change: c.3106_3108del on transcript NM_000130.5 (MANE Select); coding-DNA positions 3106 to 3108, 3 bases deleted (AAG; older notation c.3106_3108delAAG).
Protein change: p.Lys1036del; deletes lysine 1036.
Molecular consequence: inframe deletion. On other transcripts: inframe indel (1).
Genome position (GRCh38, 1-based): chr1:169,541,982-169,541,984, CTT deleted on the plus strand (AAG on the coding strand, the reverse complement: F5 is on the minus strand); deleting any 3 consecutive bases within chr1:169,541,982-169,541,986 gives the same sequence; the c. name uses the placement nearest the transcript's 3' end. VCF-style (leftmost placement, unchanged base first): chr1-169541981-GCTT-G. GRCh37 (hg19) VCF-style: chr1-169511219-GCTT-G.
Other names: c.3104_3106delAGA, p.Lys1036del (NM_000130.4); short protein forms K1036del.
Identifiers: ClinVar variation 1803461 (VCV001803461.1), dbSNP rs2526393779, ClinGen allele CA421930741.

ClinVar aggregate classification (germline): Uncertain significance (1 of 4 stars; one submission).

Submission:

GeneDx
Classification: Uncertain significance. Last evaluated: 2022-06-09. Review status: criteria provided, single submitter. Criteria: GeneDx Variant Classification Process June 2021. Collection method: clinical testing. Allele origin: germline. Affected: yes.
Comment: Not observed at significant frequency in large population cohorts (gnomAD); In-frame deletion of 1 amino acid in a non-repeat region; In silico analysis supports a deleterious effect on protein structure/function; Has not been previously published as pathogenic or benign to our knowledge